The following is an entry in ClinVar:

ClinVar aggregate classification (germline): Uncertain significance. Review status: criteria provided, multiple submitters, no conflicts (2 of 4 stars). 3 submissions from 3 submitters: Uncertain significance (3). Last evaluated 2025-12-03.

Conditions:
Developmental and epileptic encephalopathy, 12 (DEE12). Identifiers: MedGen C3150988, MONDO:0013389, OMIM 613722.

Submissions (3):

Victorian Clinical Genetics Services, Murdoch Childrens Research Institute
Classification: Uncertain significance for Developmental and epileptic encephalopathy, 12. Last evaluated: 2025-12-03. Review status: criteria provided, single submitter. Criteria: ACMG Guidelines, 2015. Collection method: clinical testing. Allele origin: germline. Affected: yes.
Comment: This variant is classified as VUS-3A. Evidence in support of pathogenic classification: Variant is absent from gnomAD (v2, v3 and v4); Missense variant in a region that is highly intolerant to missense variation (high constraint region in DECIPHER); Additional information: Variant is predicted to result in a missense amino acid change from glutamic acid to lysine; This variant is heterozygous; This gene is associated with autosomal recessive disease; Previous evidence of pathogenicity for this variant is inconclusive. This variant has been reported as a VUS (ClinVar, LOVD), but observed as de novo in one individual with seizures and dysmorphic features, and heterozygous in another individual with epileptic encephalopathy (personal communications); No published segregation evidence has been identified for this variant; No published functional evidence has been identified for this variant; No comparable missense variants have previous evidence for pathogenicity; Missense variant with inconclusive in silico prediction and/or uninformative conservation; Loss of function is a known mechanism of disease in this gene and is associated with developmental and epileptic encephalopathy 12 (MIM#613722).

GeneDx
Classification: Uncertain significance. Last evaluated: 2022-02-03. Review status: criteria provided, single submitter. Criteria: GeneDx Variant Classification Process June 2021. Collection method: clinical testing. Allele origin: germline. Affected: yes.
Comment: Not observed at significant frequency in large population cohorts (gnomAD); In silico analysis supports that this missense variant does not alter protein structure/function; Has not been previously published as pathogenic or benign to our knowledge

CeGaT Center for Human Genetics Tuebingen
Classification: Uncertain significance. Last evaluated: 2017-03-01. Review status: criteria provided, single submitter. Criteria: CeGaT Center For Human Genetics Tuebingen Variant Classification Criteria Version 2. Collection method: clinical testing. Allele origin: germline. Affected: yes. Observed: 1 variant allele.

NM_015192.4(PLCB1):c.1729G>A (p.Glu577Lys)

Gene: PLCB1 (phospholipase C beta 1; plus strand). Cytogenetic location: 20p12.3.
Variant type: single nucleotide variant.
Coding change: c.1729G>A on transcript NM_015192.4 (MANE Select); coding-DNA position 1729, G replaced by A.
Protein change: p.Glu577Lys; replaces glutamic acid 577 with lysine.
Molecular consequence: missense variant.
Genome position (GRCh38, 1-based): chr20:8,727,359, G>A. VCF-style: chr20-8727359-G-A. GRCh37 (hg19) VCF-style: chr20-8708006-G-A.
Other names: c.1729G>A, p.Glu577Lys (NM_182734.3); c.1729G>A (NM_015192.3); short protein forms E577K.
Identifiers: ClinVar variation 809221 (VCV000809221.45), dbSNP rs1600279991, ClinGen allele CA408204146.
Genomic context (GRCh38, chr20:8,727,359, plus strand): 5'-CTTAACTCAGAAAGAAATAAAAGTTTTGAAATGTCTTCCTTCGTGGAAACCAAAGGACTT[G>A]AACAACTCACCAAGTCTCCAGTGGAATTTGTAGAGTATCCTTGATTTGACGAATGACTGC-3'
Protein context (NP_056007.1, residues 567-587): MSSFVETKGL[Glu577Lys]QLTKSPVEFV